The following is an entry in ClinVar:

NM_000528.4(MAN2B1):c.437-1G>A

Gene: MAN2B1 (mannosidase alpha class 2B member 1; minus strand). Cytogenetic location: 19p13.13.
Variant type: single nucleotide variant.
Coding change: c.437-1G>A on transcript NM_000528.4 (MANE Select); the canonical splice acceptor site of the intron before coding-DNA position 437, G replaced by A.
Molecular consequence: splice acceptor variant.
Genome position (GRCh38, 1-based): chr19:12,664,986, C>T on the plus strand (G>A on the coding strand, the complement: MAN2B1 is on the minus strand). VCF-style: chr19-12664986-C-T. GRCh37 (hg19) VCF-style: chr19-12775800-C-T.
Other names: c.437-1G>A (NM_000528.3, NM_001173498.2).
Identifiers: ClinVar variation 2200305 (VCV002200305.9), dbSNP rs200048536, ClinGen allele CA9226798.

ClinVar aggregate classification (germline): Pathogenic/Likely pathogenic. Review status: criteria provided, multiple submitters, no conflicts (2 of 4 stars). 4 submissions from 4 submitters: Pathogenic (1); Likely pathogenic (3). Last evaluated 2025-05-16.

Conditions:
Deficiency of alpha-mannosidase (MANSA). Also called: LYSOSOMAL ALPHA-D-MANNOSIDASE DEFICIENCY; Mannosidosis, alpha-, types I and II; Alpha-Mannosidosis. Identifiers: Orphanet 61, MedGen C0024748, MONDO:0009561, OMIM 248500.

Allele frequency attached by ClinVar (database versions not stated): gnomAD exomes 0.00001; ExAC 0.00002; 1000 Genomes Project 30x 0.00016; 1000 Genomes Project 0.00020.
gnomAD v4.1: 7 of 1,612,950 alleles (0.00043%); highest among the groups gnomAD compares: African/African-American, 0.0067%; no homozygotes.

Submissions (4):

Natera, Inc.
Classification: Likely pathogenic for Alpha-mannosidosis. Last evaluated: 2025-05-16. Review status: criteria provided, single submitter. Criteria: Natera Variant Classification Schema (03/2026). Collection method: clinical testing. Allele origin: germline.
Comment: The c.437-1G>A variant in MAN2B1 is a canonical splice acceptor site variant predicted to affect pre-mRNA splicing, which may result in an abnormal transcript and altered protein product. This variant is expected to result in nonsense mediated decay, truncation, or a dysfunctional protein product. This variant is rare in the general population with a frequency below the threshold expected for the associated phenotype(s). Given the available evidence, this variant is classified as Likely Pathogenic.

Labcorp Genetics (formerly Invitae), Labcorp
Classification: Likely pathogenic for Deficiency of alpha-mannosidase. Last evaluated: 2024-10-15. Review status: criteria provided, single submitter. Criteria: Invitae Variant Classification Sherloc (09022015). Collection method: clinical testing. Allele origin: germline.
Comment: This sequence change affects an acceptor splice site in intron 3 of the MAN2B1 gene. It is expected to disrupt RNA splicing. Variants that disrupt the donor or acceptor splice site typically lead to a loss of protein function (PMID: 16199547), and loss-of-function variants in MAN2B1 are known to be pathogenic (PMID: 9915946, 22161967). This variant is present in population databases (rs200048536, gnomAD 0.007%). Disruption of this splice site has been observed in individual(s) with metabolic disorder (PMID: 35614200). ClinVar contains an entry for this variant (Variation ID: 2200305). Algorithms developed to predict the effect of sequence changes on RNA splicing suggest that this variant may disrupt the consensus splice site. In summary, the currently available evidence indicates that the variant is pathogenic, but additional data are needed to prove that conclusively. Therefore, this variant has been classified as Likely Pathogenic.

Genomic Medicine Center of Excellence, King Faisal Specialist Hospital and Research Centre
Classification: Pathogenic for Deficiency of alpha-mannosidase. Last evaluated: 2024-03-29. Review status: criteria provided, single submitter. Criteria: ACMG Guidelines, 2015. Collection method: clinical testing. Allele origin: germline.

Baylor Genetics
Classification: Likely pathogenic for Deficiency of alpha-mannosidase. Last evaluated: 2024-03-02. Review status: criteria provided, single submitter. Criteria: ACMG Guidelines, 2015. Collection method: clinical testing. Allele origin: unknown.

Literature cited by the submitters: PubMed 16199547 (cited by Labcorp Genetics (formerly Invitae), Labcorp); PubMed 9915946 (cited by Labcorp Genetics (formerly Invitae), Labcorp); PubMed 22161967 (cited by Labcorp Genetics (formerly Invitae), Labcorp); PubMed 35614200 (cited by Labcorp Genetics (formerly Invitae), Labcorp).